The following is an entry in ClinVar:

ClinVar aggregate classification (germline): Uncertain significance (1 of 4 stars; one submission).

Conditions:
Gastrointestinal stromal tumor. Also called: Gastrointestinal stromal tumor, somatic; Gastrointestinal stroma tumor. Identifiers: Orphanet 44890, MedGen C0238198, MeSH D046152, MONDO:0011719, OMIM 606764, HP:0100723.

Submission:

Labcorp Genetics (formerly Invitae), Labcorp
Classification: Uncertain significance for Gastrointestinal stromal tumor. Last evaluated: 2024-12-18. Review status: criteria provided, single submitter. Criteria: Invitae Variant Classification Sherloc (09022015). Collection method: clinical testing. Allele origin: germline.
Comment: This sequence change falls in intron 15 of the PDGFRA gene. It does not directly change the encoded amino acid sequence of the PDGFRA protein. It affects a nucleotide within the consensus splice site. This variant is not present in population databases (gnomAD no frequency). This variant has not been reported in the literature in individuals affected with PDGFRA-related conditions. Variants that disrupt the consensus splice site are a relatively common cause of aberrant splicing (PMID: 17576681, 9536098). Algorithms developed to predict the effect of sequence changes on RNA splicing suggest that this variant may disrupt the consensus splice site. In summary, the available evidence is currently insufficient to determine the role of this variant in disease. Therefore, it has been classified as a Variant of Uncertain Significance.

Literature cited by the submitters: PubMed 17576681; PubMed 9536098.

NM_006206.6(PDGFRA):c.2157-3C>T

Gene: PDGFRA (platelet derived growth factor receptor alpha; plus strand). Cytogenetic location: 4q12.
Variant type: single nucleotide variant.
Coding change: c.2157-3C>T on transcript NM_006206.6 (MANE Select); 3 bases into the intron before coding-DNA position 2157, C replaced by T.
Molecular consequence: intron variant.
Genome position (GRCh38, 1-based): chr4:54,280,313, C>T. VCF-style: chr4-54280313-C-T. GRCh37 (hg19) VCF-style: chr4-55146480-C-T.
Other names: c.2232-3C>T (NM_001347828.2); c.2157-3C>T (NM_001347827.2, NM_001347829.2); c.2196-3C>T (NM_001347830.2).
Identifiers: ClinVar variation 3701476 (VCV003701476.2).